The following is an entry in ClinVar:

ClinVar aggregate classification (germline): Likely pathogenic (1 of 4 stars; one submission).

Conditions:
Long chain 3-hydroxyacyl-CoA dehydrogenase deficiency. Also called: Deficiency of long-chain 3-hydroxyacyl-coenzyme A dehydrogenase; LCHAD Deficiency. Identifiers: Orphanet 5, MedGen C3711645, MONDO:0012173, OMIM 609016.

gnomAD v4.1: 1 of 1,611,410 alleles (0.000062%); highest among the groups gnomAD compares: Non-Finnish European, 0.000085%; no homozygotes.

Submissions (2):

Myriad Genetics, Inc.
Classification: Likely pathogenic for Long chain 3-hydroxyacyl-CoA dehydrogenase deficiency. Last evaluated: 2025-06-16. Review status: criteria provided, single submitter. Criteria: Myriad Autosomal Dominant, Autosomal Recessive and X-Linked Classification Criteria (2023). Collection method: clinical testing. Allele origin: unknown.
Comment: NM_000182.4(HADHA):c.315-1G>T is a variant in a canonical splice site classified as likely pathogenic in the context of HADHA-related disorders. c.315-1G>T has not been observed in cases with relevant disease. Relevant functional assessments of this variant are not available in the literature. c.315-1G>T has not been observed in referenced population frequency databases. In summary, NM_000182.4(HADHA):c.315-1G>T is a variant in a canonical splice site in a gene where loss of function is a known mechanism of disease and is predicted to disrupt protein function. Please note: this variant was assessed in the context of healthy population screening.

Dr. Peter K. Rogan Lab, Western University
No classification provided (evidence only). Condition: Thyroid cancer, nonmedullary, 1. Review status: no classification provided. Collection method: in vitro. Allele origin: not applicable. Functional consequence: retained intron. Not counted in ClinVar's aggregate classification.

NM_000182.5(HADHA):c.315-1G>T

Gene: HADHA (hydroxyacyl-CoA dehydrogenase trifunctional multienzyme complex subunit alpha; minus strand). Cytogenetic location: 2p23.3.
Variant type: single nucleotide variant.
Coding change: c.315-1G>T on transcript NM_000182.5 (MANE Select); the canonical splice acceptor site of the intron before coding-DNA position 315, G replaced by T.
Molecular consequence: splice acceptor variant.
Genome position (GRCh38, 1-based): chr2:26,234,356, C>A on the plus strand (G>T on the coding strand, the complement: HADHA is on the minus strand). VCF-style: chr2-26234356-C-A. GRCh37 (hg19) VCF-style: chr2-26457224-C-A.
Other names: NC_000002.11:g.26457224C>A.
Identifiers: ClinVar variation 4081702 (VCV004081702.2).